The following is an entry in ClinVar:

ClinVar aggregate classification (germline): Likely pathogenic. Review status: criteria provided, multiple submitters, no conflicts (2 of 4 stars). 3 submissions from 3 submitters: Likely pathogenic (3). Last evaluated 2024-12-30.

Conditions:
Mucolipidosis type II. Also called: ML II ALPHA/BETA; Mucolipidosis II Alpha/Beta; Mucolipidosis 2; ML 2; Inclusion cell disease; Leroy Disease. Identifiers: Orphanet 576, MedGen C2673377, MONDO:0009650, OMIM 252500.
Pseudo-Hurler polydystrophy. Also called: ML III; ML III ALPHA/BETA; Type III Mucolipidosis; ML IIIA; Mucolipidosis III Alpha/Beta; MUCOLIPIDOSIS IIIA. Identifiers: Orphanet 423461, Orphanet 577, MedGen C0033788, MONDO:0018931, OMIM 252600.
GNPTAB-Related Disorders. Also called: GNPTAB-related disorder; GNPTAB-related condition. Identifiers: MedGen CN381523.

gnomAD v4.1: 1 of 1,613,972 alleles (0.000062%); highest among the groups gnomAD compares: African/African-American, 0.0013%; no homozygotes.

Submissions (3):

Natera, Inc.
Classification: Likely pathogenic for Mucolipidosis type II. Last evaluated: 2024-12-30. Review status: criteria provided, single submitter. Criteria: Natera Variant Classification Schema (03/2026). Collection method: clinical testing. Allele origin: germline.
Comment: The c.1512C>A variant in GNPTAB is a nonsense variant predicted to introduce a stop codon at amino acid 504. This variant is expected to result in nonsense mediated decay, truncation, or a dysfunctional protein product. This variant is rare in the general population with a frequency below the threshold expected for the associated phenotype(s). Given the available evidence, this variant is classified as Likely Pathogenic.

Fulgent Genetics
Classification: Likely pathogenic for Mucolipidosis type II; Pseudo-Hurler polydystrophy. Last evaluated: 2024-03-24. Review status: criteria provided, single submitter. Criteria: ACMG Guidelines, 2015. Collection method: clinical testing. Allele origin: germline.

Blueprint Genetics
Classification: Likely pathogenic for GNPTAB-related disorders. Last evaluated: 2023-08-15. Review status: criteria provided, single submitter. Criteria: ACMG Guidelines, 2015. Collection method: clinical testing. Allele origin: germline. Affected: yes. Observed: 1 variant allele.

NM_024312.5(GNPTAB):c.1512C>A (p.Tyr504Ter)

Gene: GNPTAB (N-acetylglucosamine-1-phosphate transferase subunits alpha and beta; minus strand). Cytogenetic location: 12q23.2.
Variant type: single nucleotide variant.
Coding change: c.1512C>A on transcript NM_024312.5 (MANE Select); coding-DNA position 1512, C replaced by A.
Protein change: p.Tyr504Ter; replaces tyrosine 504 with a stop codon.
Molecular consequence: nonsense.
Genome position (GRCh38, 1-based): chr12:101,766,191, G>T on the plus strand (C>A on the coding strand, the complement: GNPTAB is on the minus strand). VCF-style: chr12-101766191-G-T. GRCh37 (hg19) VCF-style: chr12-102159969-G-T.
Other names: c.1512C>A (NM_024312.4); short protein forms Y504*.
Identifiers: ClinVar variation 3574184 (VCV003574184.3).